The following is an entry in ClinVar:

ClinVar aggregate classification (germline): Uncertain significance. Review status: criteria provided, multiple submitters, no conflicts (2 of 4 stars). 2 submissions from 2 submitters: Uncertain significance (2). Last evaluated 2025-01-13.

Conditions:
Hereditary cancer-predisposing syndrome. Also called: Hereditary Cancer Syndrome; Tumor predisposition; Hereditary neoplastic syndrome; Neoplastic Syndromes, Hereditary. Identifiers: Orphanet 140162, MedGen C0027672, MeSH D009386, MONDO:0015356.
Juvenile polyposis syndrome (JPS). Identifiers: Orphanet 2929, MedGen C0345893, MONDO:0017380, OMIM 174900.

Submissions (2):

Ambry Genetics
Classification: Uncertain significance for Hereditary cancer-predisposing syndrome. Last evaluated: 2025-01-13. Review status: criteria provided, single submitter. Criteria: Ambry Variant Classification Scheme 2023. Collection method: clinical testing. Allele origin: germline.
Comment: The p.D390V variant (also known as c.1169A>T), located in coding exon 9 of the BMPR1A gene, results from an A to T substitution at nucleotide position 1169. The aspartic acid at codon 390 is replaced by valine, an amino acid with highly dissimilar properties. This amino acid position is conserved. In addition, this alteration is predicted to be deleterious by in silico analysis. Based on the available evidence, the clinical significance of this variant remains unclear.

Labcorp Genetics (formerly Invitae), Labcorp
Classification: Uncertain significance for Juvenile polyposis syndrome. Last evaluated: 2024-07-18. Review status: criteria provided, single submitter. Criteria: Invitae Variant Classification Sherloc (09022015). Collection method: clinical testing. Allele origin: germline.
Comment: This sequence change replaces aspartic acid, which is acidic and polar, with valine, which is neutral and non-polar, at codon 390 of the BMPR1A protein (p.Asp390Val). This variant is not present in population databases (gnomAD no frequency). This variant has not been reported in the literature in individuals affected with BMPR1A-related conditions. ClinVar contains an entry for this variant (Variation ID: 2005638). An algorithm developed to predict the effect of missense changes on protein structure and function (PolyPhen-2) suggests that this variant is likely to be disruptive. In summary, the available evidence is currently insufficient to determine the role of this variant in disease. Therefore, it has been classified as a Variant of Uncertain Significance.

NM_004329.3(BMPR1A):c.1169A>T (p.Asp390Val)

Gene: BMPR1A (bone morphogenetic protein receptor type 1A; plus strand). Cytogenetic location: 10q23.2.
Variant type: single nucleotide variant.
Coding change: c.1169A>T on transcript NM_004329.3 (MANE Select); coding-DNA position 1169, A replaced by T.
Protein change: p.Asp390Val; replaces aspartic acid 390 with valine.
Molecular consequence: missense variant.
Genome position (GRCh38, 1-based): chr10:86,921,522, A>T. VCF-style: chr10-86921522-A-T. GRCh37 (hg19) VCF-style: chr10-88681279-A-T.
Other names: c.1244A>T, p.Asp415Val (NM_001406559.1); c.1217A>T, p.Asp406Val (NM_001406560.1); c.1169A>T, p.Asp390Val (NM_001406561.1, NM_001406562.1, NM_001406563.1 and 19 more transcripts); c.1163A>T, p.Asp388Val (NM_001406583.1); c.1085A>T, p.Asp362Val (NM_001406584.1, NM_001406585.1, NM_001406586.1 and 2 more transcripts); c.827A>T, p.Asp276Val (NM_001406589.1); short protein forms D276V, D406V, D415V, D362V, D388V, D390V.
Identifiers: ClinVar variation 2005638 (VCV002005638.5), dbSNP rs2133605660, ClinGen allele CA377461810.
Genomic context (GRCh38, chr10:86,921,522, plus strand): 5'-AAGATAAACTATTTTATTTTTGGCCCTCAACTTGGACCTTGGCTTTCTTTTGTTTCAGTG[A>T]CACAAATGAAGTTGATGTGCCCTTGAATACCAGGGTGGGCACCAAACGCTACATGGCTCC-3'
Protein context (NP_004320.2, residues 380-400): DLGLAVKFNS[Asp390Val]TNEVDVPLNT